The following is an entry in ClinVar:

NM_018993.4(RIN2):c.-36-2881del

Gene: RIN2 (Ras and Rab interactor 2; plus strand). Cytogenetic location: 20p11.23.
Variant type: Deletion.
Coding change: c.-36-2881del on transcript NM_018993.4 (MANE Select); 2881 bases into the intron before 36 bases upstream of the start codon, one base deleted (T; older notation c.-36-2881delT).
Molecular consequence: intron variant. On other transcripts: frameshift variant (1).
Genome position (GRCh38, 1-based): chr20:19,886,685, T deleted; the last of 4 consecutive T bases (chr20:19,886,682-19,886,685); deleting any one gives the same sequence. VCF-style (leftmost placement, unchanged base first): chr20-19886681-AT-A. GRCh37 (hg19) VCF-style: chr20-19867325-AT-A.
Other names: c.16del, p.Ser6fs (NM_001242581.2); c.-581-2881del (NM_001378238.1); short protein forms S6fs.
Identifiers: ClinVar variation 1072404 (VCV001072404.5), dbSNP rs1451559860, ClinGen allele CA635058894.
Genomic context (GRCh38, chr20:19,886,681, plus strand): 5'-TTTTTTTTTTTGCTAGCTTTTAGCTAGTATCTGGAAACATCTACTGGACATGTTGGACTC[AT>A]TTTCTCAAGAATCCACTTTACCCTTCAGGGAAGCCAGGAAAAGAACAAGCTTCCAACCGG-3'

ClinVar aggregate classification (germline): Conflicting classifications of pathogenicity. Review status: criteria provided, conflicting classifications (1 of 4 stars). 2 submissions from 2 submitters: Likely pathogenic (1); Uncertain significance (1). Last evaluated 2025-05-18.

Submissions (2):

GeneDx
Classification: Likely pathogenic. Last evaluated: 2025-05-18. Review status: criteria provided, single submitter. Criteria: GeneDx Variant Classification Process June 2021. Collection method: clinical testing. Allele origin: germline. Affected: yes.
Comment: Frameshift variant predicted to result in protein truncation or nonsense mediated decay in a gene for which loss of function is a known mechanism of disease; Not observed at significant frequency in large population cohorts (gnomAD); Has not been previously published as pathogenic or benign to our knowledge; Reported using an alternate transcript of the gene

Labcorp Genetics (formerly Invitae), Labcorp
Classification: Uncertain significance. Last evaluated: 2022-09-04. Review status: criteria provided, single submitter. Criteria: Invitae Variant Classification Sherloc (09022015). Collection method: clinical testing. Allele origin: germline.
Comment: The RIN2 gene has multiple clinically relevant transcripts. This variant occurs in alternate transcript NM_001242581.1, and corresponds to NM_018993.3:c.-2917del in the primary transcript. This sequence change creates a premature translational stop signal (p.Ser6Leufs*45) in the RIN2 gene. However, it is currently unclear if variants that occur in this region of the gene cause disease. This variant is present in population databases (no rsID available, gnomAD 0.01%). This variant has not been reported in the literature in individuals affected with RIN2-related conditions. Experimental studies and prediction algorithms are not available or were not evaluated, and the functional significance of this variant is currently unknown. In summary, the available evidence is currently insufficient to determine the role of this variant in disease. Therefore, it has been classified as a Variant of Uncertain Significance.